The following is an entry in ClinVar:

NM_003024.3(ITSN1):c.1590A>G (p.Gln530=)

Gene: ITSN1 (intersectin 1; plus strand). Cytogenetic location: 21q22.11.
Variant type: single nucleotide variant.
Coding change: c.1590A>G on transcript NM_003024.3 (MANE Select); coding-DNA position 1590, A replaced by G.
Protein change: p.Gln530=; no amino-acid change (glutamine 530 retained).
Molecular consequence: synonymous variant.
Genome position (GRCh38, 1-based): chr21:33,775,102, A>G. VCF-style: chr21-33775102-A-G. GRCh37 (hg19) VCF-style: chr21-35147406-A-G.
Other names: c.1590A>G, p.Gln530= (NM_001001132.2, NM_001331008.2, NM_001331009.2 and 2 more transcripts); c.1479A>G, p.Gln493= (NM_001331012.2).
Identifiers: ClinVar variation 3770737 (VCV003770737.13).

ClinVar aggregate classification (germline): Likely benign (1 of 4 stars; one submission).

gnomAD v4.1: 164 of 1,608,204 alleles (0.01%); highest among the groups gnomAD compares: Non-Finnish European, 0.013%; no homozygotes.

Submission:

CeGaT Center for Human Genetics Tuebingen
Classification: Likely benign. Last evaluated: 2025-02-01. Review status: criteria provided, single submitter. Criteria: CeGaT Center For Human Genetics Tuebingen Variant Classification Criteria Version 2. Collection method: clinical testing. Allele origin: germline. Affected: yes. Observed: 1 variant allele.
Comment: ITSN1: BP4, BP7